The following is an entry in ClinVar:

ClinVar aggregate classification (germline): Uncertain significance (1 of 4 stars; one submission).

Conditions:
Inborn genetic diseases. Identifiers: MedGen C0950123, MeSH D030342.

gnomAD v4.1: 1 of 1,610,946 alleles (0.000062%); highest among the groups gnomAD compares: Admixed American, 0.0017%; no homozygotes.

Submission:

Ambry Genetics
Classification: Uncertain significance for Inborn genetic diseases. Last evaluated: 2026-05-27. Review status: criteria provided, single submitter. Criteria: Ambry Variant Classification Scheme 2023. Collection method: clinical testing. Allele origin: germline.
Comment: The p.F543C variant (also known as c.1628T>G), located in coding exon 1 of the SAMD9L gene, results from a T to G substitution at nucleotide position 1628. The phenylalanine at codon 543 is replaced by cysteine, an amino acid with highly dissimilar properties. This amino acid position is conserved. In addition, this alteration is predicted to be tolerated by in silico analysis. Based on the available evidence, the clinical significance of this variant remains unclear.

NM_152703.5(SAMD9L):c.1628T>G (p.Phe543Cys)

Gene: SAMD9L (sterile alpha motif domain containing 9 like; minus strand). Cytogenetic location: 7q21.2.
Variant type: single nucleotide variant.
Coding change: c.1628T>G on transcript NM_152703.5 (MANE Select); coding-DNA position 1628, T replaced by G.
Protein change: p.Phe543Cys; replaces phenylalanine 543 with cysteine.
Molecular consequence: missense variant.
Genome position (GRCh38, 1-based): chr7:93,134,344, A>C on the plus strand (T>G on the coding strand, the complement: SAMD9L is on the minus strand). VCF-style: chr7-93134344-A-C. GRCh37 (hg19) VCF-style: chr7-92763657-A-C.
Other names: c.1628T>G, p.Phe543Cys (NM_001303496.3, NM_001303497.3, NM_001303498.3 and 5 more transcripts); short protein forms F543C.
Identifiers: ClinVar variation 4864017 (VCV004864017.1).